The following is an entry in ClinVar:

ClinVar aggregate classification (germline): Likely benign. Review status: criteria provided, multiple submitters, no conflicts (2 of 4 stars). 3 submissions from 3 submitters: Likely benign (3). Last evaluated 2026-09-25.

Conditions:
ANKRD26-related disorder. Also called: ANKRD26-related condition.
Inborn genetic diseases. Identifiers: MedGen C0950123, MeSH D030342.

Allele frequency attached by ClinVar (database versions not stated): TOPMed 0.00001; gnomAD 0.00002; gnomAD exomes 0.00003; ExAC 0.00005; 1000 Genomes Project 30x 0.00016; 1000 Genomes Project 0.00020.
gnomAD v4.1: 46 of 1,614,058 alleles (0.0028%); highest among the groups gnomAD compares: Non-Finnish European, 0.0036%; no homozygotes.

Submissions (3):

PreventionGenetics, part of Exact Sciences
Classification: Likely benign for ANKRD26-related condition. Last evaluated: 2026-09-25. Review status: criteria provided, single submitter. Criteria: ACMG Guidelines, 2015. Collection method: clinical testing. Allele origin: germline.
Comment: This variant is classified as likely benign based on ACMG/AMP sequence variant interpretation guidelines (Richards et al. 2015 PMID: 25741868, with internal and published modifications).

Labcorp Genetics (formerly Invitae), Labcorp
Classification: Likely benign. Last evaluated: 2025-11-23. Review status: criteria provided, single submitter. Criteria: Invitae Variant Classification Sherloc (09022015). Collection method: clinical testing. Allele origin: germline.

Ambry Genetics
Classification: Likely benign for Inborn genetic diseases. Last evaluated: 2024-11-25. Review status: criteria provided, single submitter. Criteria: Ambry Variant Classification Scheme 2023. Collection method: clinical testing. Allele origin: germline.

NM_014915.3(ANKRD26):c.3528A>G (p.Gln1176=)

Gene: ANKRD26 (ankyrin repeat domain 26; minus strand). Cytogenetic location: 10p12.1.
Variant type: single nucleotide variant.
Coding change: c.3528A>G on transcript NM_014915.3 (MANE Select); coding-DNA position 3528, A replaced by G.
Protein change: p.Gln1176=; no amino-acid change (glutamine 1176 retained).
Molecular consequence: synonymous variant.
Genome position (GRCh38, 1-based): chr10:27,034,922, T>C on the plus strand (A>G on the coding strand, the complement: ANKRD26 is on the minus strand). VCF-style: chr10-27034922-T-C. GRCh37 (hg19) VCF-style: chr10-27323851-T-C.
Other names: c.3525A>G, p.Gln1175= (NM_001256053.2).
Identifiers: ClinVar variation 2139113 (VCV002139113.6), dbSNP rs186423306, ClinGen allele CA5448023.
Genomic context (GRCh38, chr10:27,034,922, plus strand): 5'-TAACTCCTTATTTCTTTCTTCTAGCAGAAGACTTTGCTTTTCACTCTCAGCTTGAAGTTT[T>C]TGCACAATAGCATGAAACTGGTCTTGGATATTAATCACTGTCTTCTCTTTATTGTCAGCC-3'
Protein context (NP_055730.2, residues 1166-1186): NIQDQFHAIV[Gln1176=]KLQAESEKQS